The following is an entry in ClinVar:

ClinVar aggregate classification (germline): Likely benign. Review status: criteria provided, multiple submitters, no conflicts (2 of 4 stars). 2 submissions from 2 submitters: Likely benign (2). Last evaluated 2026-09-01.

Conditions:
Inborn genetic diseases. Identifiers: MedGen C0950123, MeSH D030342.

Allele frequency attached by ClinVar (database versions not stated): 1000 Genomes Project 0.00020; 1000 Genomes Project 30x 0.00031; ExAC 0.00033; gnomAD 0.00060; TOPMed 0.00086; ESP Exome Variant Server 0.00117.
gnomAD v4.1: 184 of 1,608,698 alleles (0.011%); highest among the groups gnomAD compares: African/African-American, 0.2%; no homozygotes.

Submissions (2):

CeGaT Center for Human Genetics Tuebingen
Classification: Likely benign. Last evaluated: 2026-09-01. Review status: criteria provided, single submitter. Criteria: CeGaT Center For Human Genetics Tuebingen Variant Classification Criteria Version 2. Collection method: clinical testing. Allele origin: germline. Affected: yes. Observed: 1 variant allele.
Comment: JARID2: BS1

Ambry Genetics
Classification: Likely benign for Inborn genetic diseases. Last evaluated: 2022-08-17. Review status: criteria provided, single submitter. Criteria: Ambry Variant Classification Scheme 2023. Collection method: clinical testing. Allele origin: germline.

NM_004973.4(JARID2):c.1402G>A (p.Glu468Lys)

Gene: JARID2 (jumonji and AT-rich interaction domain containing 2; plus strand). Cytogenetic location: 6p22.3.
Variant type: single nucleotide variant.
Coding change: c.1402G>A on transcript NM_004973.4 (MANE Select); coding-DNA position 1402, G replaced by A.
Protein change: p.Glu468Lys; replaces glutamic acid 468 with lysine.
Molecular consequence: missense variant.
Genome position (GRCh38, 1-based): chr6:15,496,627, G>A. VCF-style: chr6-15496627-G-A. GRCh37 (hg19) VCF-style: chr6-15496858-G-A.
Other names: c.886G>A, p.Glu296Lys (NM_001267040.1); short protein forms E296K, E468K.
Identifiers: ClinVar variation 2240060 (VCV002240060.3), dbSNP rs200762091, ClinGen allele CA3642872.